The following is an entry in ClinVar:

NM_003482.4(KMT2D):c.50-2A>G

Gene: KMT2D (lysine methyltransferase 2D; minus strand). Cytogenetic location: 12q13.12.
Variant type: single nucleotide variant.
Coding change: c.50-2A>G on transcript NM_003482.4 (MANE Select); the canonical splice acceptor site of the intron before coding-DNA position 50, A replaced by G.
Molecular consequence: splice acceptor variant.
Genome position (GRCh38, 1-based): chr12:49,055,028, T>C on the plus strand (A>G on the coding strand, the complement: KMT2D is on the minus strand). VCF-style: chr12-49055028-T-C. GRCh37 (hg19) VCF-style: chr12-49448811-T-C.
Identifiers: ClinVar variation 2505198 (VCV002505198.1), dbSNP rs2498473279, ClinGen allele CA384691069.

ClinVar aggregate classification (germline): Pathogenic (1 of 4 stars; one submission).

Conditions:
Kabuki syndrome 1 (KABUK1). Also called: KMT2D-Related Kabuki Syndrome. Identifiers: Orphanet 2322, MedGen CN030661, MONDO:0007843, OMIM 147920.

Submission:

Greenwood Genetic Center Diagnostic Laboratories, Greenwood Genetic Center
Classification: Pathogenic for Kabuki syndrome 1. Last evaluated: 2023-03-08. Review status: criteria provided, single submitter. Criteria: ACMG Guidelines, 2015. Collection method: clinical testing. Allele origin: germline. Affected: yes.
Comment: PVS1, PS2, PM2